The following is an entry in ClinVar:

ClinVar aggregate classification (germline): Uncertain significance (1 of 4 stars; one submission).

Conditions:
Developmental and epileptic encephalopathy, 30 (DEE30). Also called: Epileptic encephalopathy, early infantile, 30. Identifiers: MedGen C4225360, MONDO:0014595, OMIM 616341.

Allele frequency attached by ClinVar (database versions not stated): gnomAD exomes below 0.00001.

Submission:

Labcorp Genetics (formerly Invitae), Labcorp
Classification: Uncertain significance for Developmental and epileptic encephalopathy, 30. Last evaluated: 2021-01-11. Review status: criteria provided, single submitter. Criteria: Invitae Variant Classification Sherloc (09022015). Collection method: clinical testing. Allele origin: germline.
Comment: This sequence change replaces isoleucine with threonine at codon 207 of the SIK1 protein (p.Ile207Thr). The isoleucine residue is moderately conserved and there is a moderate physicochemical difference between isoleucine and threonine. This variant is not present in population databases (ExAC no frequency). This variant has not been reported in the literature in individuals with SIK1-related conditions. Algorithms developed to predict the effect of missense changes on protein structure and function are either unavailable or do not agree on the potential impact of this missense change (SIFT: "Deleterious"; PolyPhen-2: "Benign"; Align-GVGD: "Class C25"). In summary, the available evidence is currently insufficient to determine the role of this variant in disease. Therefore, it has been classified as a Variant of Uncertain Significance.

NM_173354.5(SIK1):c.620T>C (p.Ile207Thr)

Gene: SIK1 (salt inducible kinase 1; minus strand). Cytogenetic location: 21q22.3.
Variant type: single nucleotide variant.
Coding change: c.620T>C on transcript NM_173354.5 (MANE Select); coding-DNA position 620, T replaced by C.
Protein change: p.Ile207Thr; replaces isoleucine 207 with threonine.
Molecular consequence: missense variant.
Genome position (GRCh38, 1-based): chr21:43,421,247, A>G on the plus strand (T>C on the coding strand, the complement: SIK1 is on the minus strand). VCF-style: chr21-43421247-A-G. GRCh37 (hg19) VCF-style: chr21-44841127-A-G.
Other names: short protein forms I207T.
Identifiers: ClinVar variation 1476662 (VCV001476662.8), dbSNP rs1170227622, ClinGen allele CA410609777.